The following is an entry in ClinVar:

ClinVar aggregate classification (germline): Uncertain significance (1 of 4 stars; one submission).

Allele frequency attached by ClinVar (database versions not stated): gnomAD exomes below 0.00001.
gnomAD v4.1: 3 of 1,611,668 alleles (0.00019%); highest among the groups gnomAD compares: Non-Finnish European, 0.00017%; no homozygotes.

Submission:

Labcorp Genetics (formerly Invitae), Labcorp
Classification: Uncertain significance. Last evaluated: 2023-02-17. Review status: criteria provided, single submitter. Criteria: Invitae Variant Classification Sherloc (09022015). Collection method: clinical testing. Allele origin: germline.
Comment: This sequence change replaces threonine, which is neutral and polar, with isoleucine, which is neutral and non-polar, at codon 2368 of the TRRAP protein (p.Thr2368Ile). This variant is present in population databases (no rsID available, gnomAD 0.003%). This variant has not been reported in the literature in individuals affected with TRRAP-related conditions. An algorithm developed to predict the effect of missense changes on protein structure and function (PolyPhen-2) suggests that this variant is likely to be tolerated. In summary, the available evidence is currently insufficient to determine the role of this variant in disease. Therefore, it has been classified as a Variant of Uncertain Significance.

NM_001375524.1(TRRAP):c.7178C>T (p.Thr2393Ile)

Gene: TRRAP (transformation/transcription domain associated protein; plus strand). Cytogenetic location: 7q22.1.
Variant type: single nucleotide variant.
Coding change: c.7178C>T on transcript NM_001375524.1 (MANE Select); coding-DNA position 7178, C replaced by T.
Protein change: p.Thr2393Ile; replaces threonine 2393 with isoleucine.
Molecular consequence: missense variant.
Genome position (GRCh38, 1-based): chr7:98,967,042, C>T. VCF-style: chr7-98967042-C-T. GRCh37 (hg19) VCF-style: chr7-98564665-C-T.
Other names: c.7157C>T, p.Thr2386Ile (NM_001244580.2); c.7103C>T, p.Thr2368Ile (NM_003496.4); short protein forms T2393I, T2368I, T2386I.
Identifiers: ClinVar variation 2810550 (VCV002810550.3), dbSNP rs1323164091, ClinGen allele CA368291973.
Genomic context (GRCh38, chr7:98,967,042, plus strand): 5'-AATACTAGAGCAGATGGTTGAAATACTTTTAACTGCGTCTTTTCTCAAATTTCATACAGA[C>T]ACCTACACTCCGGGAGAAGTCCATTTTGCTTGTGAAGATGATGACTTACATAGAAAAACG-3'
Protein context (NP_001362453.1, residues 2383-2403): KNNSPMAANQ[Thr2393Ile]PTLREKSILL